The following is an entry in ClinVar:

NM_020549.5(CHAT):c.1511+295A>G

Gene: CHAT (choline O-acetyltransferase; plus strand). Cytogenetic location: 10q11.23.
Variant type: single nucleotide variant.
Coding change: c.1511+295A>G on transcript NM_020549.5 (MANE Select); 295 bases into the intron after coding-DNA position 1511, A replaced by G.
Molecular consequence: intron variant.
Genome position (GRCh38, 1-based): chr10:49,649,931, A>G. VCF-style: chr10-49649931-A-G. GRCh37 (hg19) VCF-style: chr10-50857977-A-G.
Other names: c.1157+295A>G (NM_020984.4, NM_020985.4, NM_020986.4 and 2 more transcripts); c.1265+295A>G (NM_001142933.2).
Identifiers: ClinVar variation 671217 (VCV000671217.1), dbSNP rs1917811, ClinGen allele CA13189977.

ClinVar aggregate classification (germline): Benign (1 of 4 stars; one submission).

Allele frequency attached by ClinVar (database versions not stated): 1000 Genomes Project 0.35543; 1000 Genomes Project 30x 0.35712; TOPMed 0.37199; gnomAD 0.38823 and 0.39232.
gnomAD v4.1: 56,771 of 144,570 alleles (39%); highest among the groups gnomAD compares: Middle Eastern, 53%; 11,713 homozygotes.

Submission:

GeneDx
Classification: Benign. Last evaluated: 2018-06-19. Review status: criteria provided, single submitter. Criteria: GeneDx Variant Classification (06012015). Collection method: clinical testing. Allele origin: germline. Affected: yes.
Comment: This variant is considered likely benign or benign based on one or more of the following criteria: it is a conservative change, it occurs at a poorly conserved position in the protein, it is predicted to be benign by multiple in silico algorithms, and/or has population frequency not consistent with disease.